The following is an entry in ClinVar:

NM_001113378.2(FANCI):c.3139C>T (p.Arg1047Cys)

Gene: FANCI (FA complementation group I; plus strand). Cytogenetic location: 15q26.1.
Variant type: single nucleotide variant.
Coding change: c.3139C>T on transcript NM_001113378.2 (MANE Select); coding-DNA position 3139, C replaced by T.
Protein change: p.Arg1047Cys; replaces arginine 1047 with cysteine.
Molecular consequence: missense variant.
Genome position (GRCh38, 1-based): chr15:89,305,195, C>T. VCF-style: chr15-89305195-C-T. GRCh37 (hg19) VCF-style: chr15-89848426-C-T.
Other names: c.3139C>T (NM_001113378.1); c.2860C>T, p.Arg954Cys (NM_001376910.1); c.3139C>T, p.Arg1047Cys (NM_001376911.1); c.2959C>T, p.Arg987Cys (NM_018193.3); short protein forms R1047C, R987C, R954C.
Identifiers: ClinVar variation 1409052 (VCV001409052.6), dbSNP rs1429500240, ClinGen allele CA393739340.

ClinVar aggregate classification (germline): Uncertain significance. Review status: criteria provided, multiple submitters, no conflicts (2 of 4 stars). 3 submissions from 3 submitters: Uncertain significance (3). Last evaluated 2024-09-23.

Conditions:
Fanconi anemia (FA). Also called: Fanconi's anemia. Identifiers: Orphanet 84, MedGen C0015625, MeSH D005199, MONDO:0019391.

Allele frequency attached by ClinVar (database versions not stated): gnomAD exomes below 0.00001 and 0.00001; gnomAD 0.00001.
gnomAD v4.1: 19 of 1,614,086 alleles (0.0012%); highest among the groups gnomAD compares: East Asian, 0.0022%; no homozygotes.

Submissions (3):

Labcorp Genetics (formerly Invitae), Labcorp
Classification: Uncertain significance for Fanconi anemia. Last evaluated: 2024-09-23. Review status: criteria provided, single submitter. Criteria: Invitae Variant Classification Sherloc (09022015). Collection method: clinical testing. Allele origin: germline.
Comment: This sequence change replaces arginine, which is basic and polar, with cysteine, which is neutral and slightly polar, at codon 1047 of the FANCI protein (p.Arg1047Cys). This variant is present in population databases (no rsID available, gnomAD 0.005%). This variant has not been reported in the literature in individuals affected with FANCI-related conditions. ClinVar contains an entry for this variant (Variation ID: 1409052). An algorithm developed to predict the effect of missense changes on protein structure and function (PolyPhen-2) suggests that this variant is likely to be tolerated. In summary, the available evidence is currently insufficient to determine the role of this variant in disease. Therefore, it has been classified as a Variant of Uncertain Significance.

Blueprint Genetics
Classification: Uncertain significance. Last evaluated: 2024-03-07. Review status: criteria provided, single submitter. Criteria: ACMG Guidelines, 2015. Collection method: clinical testing. Allele origin: germline.

GeneDx
Classification: Uncertain significance. Last evaluated: 2022-12-14. Review status: criteria provided, single submitter. Criteria: GeneDx Variant Classification Process June 2021. Collection method: clinical testing. Allele origin: germline. Affected: yes.
Comment: In silico analysis supports that this missense variant has a deleterious effect on protein structure/function; Has not been previously published as pathogenic or benign to our knowledge